The following is an entry in ClinVar:

ClinVar aggregate classification (germline): Uncertain significance. Review status: criteria provided, multiple submitters, no conflicts (2 of 4 stars). 2 submissions from 2 submitters: Uncertain significance (2). Last evaluated 2026-02-23.

Conditions:
Hereditary cancer-predisposing syndrome. Also called: Hereditary Cancer Syndrome; Neoplastic Syndromes, Hereditary; Tumor predisposition; Hereditary neoplastic syndrome. Identifiers: Orphanet 140162, MedGen C0027672, MeSH D009386, MONDO:0015356.
Hereditary breast ovarian cancer syndrome. Also called: Breast and ovarian cancer; Hereditary breast and ovarian cancer; Hereditary breast and ovarian cancer syndrome (HBOC); BRCA1- and BRCA2-Associated Hereditary Breast and Ovarian Cancer; Hereditary breast and ovarian cancer syndrome; Hereditary breast and/or ovarian cancer syndrome. Identifiers: Orphanet 145, MedGen C0677776, MeSH D061325, MONDO:0003582. Disease mechanism: loss of function.

Allele frequency attached by ClinVar (database versions not stated): TOPMed below 0.00001.

Submissions (2):

Ambry Genetics
Classification: Uncertain significance for Hereditary cancer-predisposing syndrome. Last evaluated: 2026-02-23. Review status: criteria provided, single submitter. Criteria: Ambry Variant Classification Scheme 2023. Collection method: clinical testing. Allele origin: germline.
Comment: The p.V2407L variant (also known as c.7219G>C), located in coding exon 13 of the BRCA2 gene, results from a G to C substitution at nucleotide position 7219. The valine at codon 2407 is replaced by leucine, an amino acid with highly similar properties. This amino acid position is well conserved in available vertebrate species. In addition, the in silico prediction for this alteration is inconclusive. Based on the available evidence, the clinical significance of this variant remains unclear.

Labcorp Genetics (formerly Invitae), Labcorp
Classification: Uncertain significance for Hereditary breast ovarian cancer syndrome. Last evaluated: 2023-08-04. Review status: criteria provided, single submitter. Criteria: Invitae Variant Classification Sherloc (09022015). Collection method: clinical testing. Allele origin: germline.
Comment: This variant has not been reported in the literature in individuals affected with BRCA2-related conditions. In summary, the available evidence is currently insufficient to determine the role of this variant in disease. Therefore, it has been classified as a Variant of Uncertain Significance. Advanced modeling of protein sequence and biophysical properties (such as structural, functional, and spatial information, amino acid conservation, physicochemical variation, residue mobility, and thermodynamic stability) performed at Invitae indicates that this missense variant is not expected to disrupt BRCA2 protein function. ClinVar contains an entry for this variant (Variation ID: 1005937). This variant is not present in population databases (gnomAD no frequency). This sequence change replaces valine, which is neutral and non-polar, with leucine, which is neutral and non-polar, at codon 2407 of the BRCA2 protein (p.Val2407Leu).

NM_000059.4(BRCA2):c.7219G>C (p.Val2407Leu)

Gene: BRCA2 (BRCA2 DNA repair associated; plus strand). Cytogenetic location: 13q13.1.
Variant type: single nucleotide variant.
Coding change: c.7219G>C on transcript NM_000059.4 (MANE Select); coding-DNA position 7219, G replaced by C.
Protein change: p.Val2407Leu; replaces valine 2407 with leucine.
Molecular consequence: missense variant.
Genome position (GRCh38, 1-based): chr13:32,355,072, G>C. VCF-style: chr13-32355072-G-C. GRCh37 (hg19) VCF-style: chr13-32929209-G-C.
Other names: c.7219G>C (NM_000059.3); short protein forms V2407L.
Identifiers: ClinVar variation 1005937 (VCV001005937.10), dbSNP rs1387721179, ClinGen allele CA387740073.